The following is an entry in ClinVar:

ClinVar aggregate classification (germline): Uncertain significance (1 of 4 stars; one submission).

Conditions:
Retinitis pigmentosa 12 (RP12). Also called: RP WITH OR WITHOUT PPRPE; RP WITH OR WITHOUT PRESERVED PARAARTERIOLE RETINAL PIGMENT EPITHELIUM; RETINITIS PIGMENTOSA WITH OR WITHOUT PARAARTERIOLAR PRESERVATION OF RETINAL PIGMENT EPITHELIUM. Identifiers: Orphanet 791, MedGen C1838647, MONDO:0010818, OMIM 600105.
Leber congenital amaurosis 8 (LCA8). Identifiers: Orphanet 65, MedGen C3151202, MONDO:0013453, OMIM 613835.

Allele frequency attached by ClinVar (database versions not stated): ExAC 0.00001; gnomAD 0.00001.
gnomAD v4.1: 15 of 1,613,792 alleles (0.00093%); highest among the groups gnomAD compares: South Asian, 0.011%; no homozygotes.

Submission:

Labcorp Genetics (formerly Invitae), Labcorp
Classification: Uncertain significance for Leber congenital amaurosis 8; Retinitis pigmentosa 12. Last evaluated: 2022-03-10. Review status: criteria provided, single submitter. Criteria: Invitae Variant Classification Sherloc (09022015). Collection method: clinical testing. Allele origin: germline.
Comment: This sequence change replaces glycine, which is neutral and non-polar, with valine, which is neutral and non-polar, at codon 1388 of the CRB1 protein (p.Gly1388Val). This variant is present in population databases (rs765740058, gnomAD 0.006%). This variant has not been reported in the literature in individuals affected with CRB1-related conditions. Advanced modeling of protein sequence and biophysical properties (such as structural, functional, and spatial information, amino acid conservation, physicochemical variation, residue mobility, and thermodynamic stability) performed at Invitae indicates that this missense variant is expected to disrupt CRB1 protein function. In summary, the available evidence is currently insufficient to determine the role of this variant in disease. Therefore, it has been classified as a Variant of Uncertain Significance.

NM_201253.3(CRB1):c.4163G>T (p.Gly1388Val)

Gene: CRB1 (crumbs cell polarity complex component 1; plus strand). Cytogenetic location: 1q31.3.
Variant type: single nucleotide variant.
Coding change: c.4163G>T on transcript NM_201253.3 (MANE Select); coding-DNA position 4163, G replaced by T.
Protein change: p.Gly1388Val; replaces glycine 1388 with valine.
Molecular consequence: missense variant. On other transcripts: non-coding transcript variant (2).
Genome position (GRCh38, 1-based): chr1:197,477,821, G>T. VCF-style: chr1-197477821-G-T. GRCh37 (hg19) VCF-style: chr1-197446951-G-T.
Other names: c.3827G>T, p.Gly1276Val (NM_001193640.2); c.4091G>T, p.Gly1364Val (NM_001257965.2); c.2555G>T, p.Gly852Val (NM_001257966.2); short protein forms G1364V, G1388V, G1276V, G852V.
Identifiers: ClinVar variation 1444583 (VCV001444583.5), dbSNP rs765740058, ClinGen allele CA1312567.
Genomic context (GRCh38, chr1:197,477,821, plus strand): 5'-TCACCTCCAACAAAAGGGCAACTCAGGGAACCTACAGCCCCAGCCGTCAGGAGAAGGAGG[G>T]CTCCCGAGTGGAAATGTGGAACTTGATGCCACCCCCTGCAATGGAGAGACTGATTTAGGA-3'
Protein context (NP_957705.1, residues 1378-1398): TYSPSRQEKE[Gly1388Val]SRVEMWNLMP